The following is an entry in ClinVar:

ClinVar aggregate classification (germline): Uncertain significance (1 of 4 stars; one submission).

Conditions:
Bethlem myopathy 1A. Also called: MYOPATHY, BENIGN CONGENITAL, WITH CONTRACTURES; Bethlem myopathy 1; Bethlem Muscular Dystrophy. Identifiers: Orphanet 610, MedGen CN029274, MONDO:0024530, OMIM 158810.

Submission:

Labcorp Genetics (formerly Invitae), Labcorp
Classification: Uncertain significance for Bethlem myopathy 1A. Last evaluated: 2025-05-05. Review status: criteria provided, single submitter. Criteria: Invitae Variant Classification Sherloc (09022015). Collection method: clinical testing. Allele origin: germline.
Comment: This sequence change falls in intron 13 of the COL6A1 gene. It does not directly change the encoded amino acid sequence of the COL6A1 protein. It affects a nucleotide within the consensus splice site. This variant is present in population databases (no rsID available, gnomAD 0.004%). This variant has not been reported in the literature in individuals affected with COL6A1-related conditions. ClinVar contains an entry for this variant (Variation ID: 1975814). Variants that disrupt the consensus splice site are a relatively common cause of aberrant splicing (PMID: 17576681, 9536098). Experimental studies and prediction algorithms are not available or were not evaluated, and the effect of this variant on mRNA splicing is currently unknown. In summary, the available evidence is currently insufficient to determine the role of this variant in disease. Therefore, it has been classified as a Variant of Uncertain Significance.

Literature cited by the submitters: PubMed 17576681; PubMed 9536098.

NM_001848.3(COL6A1):c.1002+6_1002+89del

Gene: COL6A1 (collagen type VI alpha 1 chain; plus strand). Cytogenetic location: 21q22.3.
Variant type: Deletion.
Coding change: c.1002+6_1002+89del on transcript NM_001848.3 (MANE Select); bases 6 to 89 of the intron after coding-DNA position 1002, 84 bases deleted.
Molecular consequence: intron variant.
Genome position (GRCh38, 1-based): chr21:45,990,428-45,990,511, 84 bases deleted. GRCh37 (hg19): chr21:47,410,342-47,410,425.
Identifiers: ClinVar variation 1975814 (VCV001975814.5), dbSNP rs1569518212, ClinGen allele CA10069957.